The following is an entry in ClinVar:

NM_001037283.2(EIF3B):c.1311C>A (p.Phe437Leu)

Gene: EIF3B (eukaryotic translation initiation factor 3 subunit B; plus strand). Cytogenetic location: 7p22.3.
Variant type: single nucleotide variant.
Coding change: c.1311C>A on transcript NM_001037283.2 (MANE Select); coding-DNA position 1311, C replaced by A.
Protein change: p.Phe437Leu; replaces phenylalanine 437 with leucine.
Molecular consequence: missense variant.
Genome position (GRCh38, 1-based): chr7:2,366,546, C>A. VCF-style: chr7-2366546-C-A. GRCh37 (hg19) VCF-style: chr7-2406181-C-A.
Other names: c.1311C>A, p.Phe437Leu (NM_001362791.2, NM_003751.4); c.495C>A, p.Phe165Leu (NM_001362792.2, NM_001362793.2); short protein forms F165L, F437L.
Identifiers: ClinVar variation 4529690 (VCV004529690.1).
Genomic context (GRCh38, chr7:2,366,546, plus strand): 5'-CTTTTCATGGGAATACCCTGGCACTTTTGTTTTTCTTAGGTGGAGCCATGATGGCAAATT[C>A]TTTGCCAGAATGACCCTGGATACGCTTAGCATCTATGAAACTCCTGTAAGTGGCCTCAGT-3'
Protein context (NP_001032360.1, residues 427-447): PIFKWSHDGK[Phe437Leu]FARMTLDTLS

ClinVar aggregate classification (germline): Uncertain significance (1 of 4 stars; one submission).

Submission:

GeneDx
Classification: Uncertain significance. Last evaluated: 2023-05-24. Review status: criteria provided, single submitter. Criteria: GeneDx Variant Classification Process June 2021. Collection method: clinical testing. Allele origin: germline. Affected: yes.
Comment: Has not been previously published as pathogenic or benign to our knowledge; Not observed at significant frequency in large population cohorts (gnomAD); In silico analysis supports that this missense variant has a deleterious effect on protein structure/function; Variants in candidate genes are classified as variants of uncertain significance in accordance with ACMG guidelines (Richards et al., 2015)